The following is an entry in ClinVar:

ClinVar aggregate classification (germline): Uncertain significance (1 of 4 stars; one submission).

gnomAD v4.1: 5 of 1,605,960 alleles (0.00031%); highest among the groups gnomAD compares: Non-Finnish European, 0.00043%; no homozygotes.

Submission:

Labcorp Genetics (formerly Invitae), Labcorp
Classification: Uncertain significance. Last evaluated: 2024-11-07. Review status: criteria provided, single submitter. Criteria: Invitae Variant Classification Sherloc (09022015). Collection method: clinical testing. Allele origin: germline.
Comment: This sequence change falls in intron 21 of the MME gene. It does not directly change the encoded amino acid sequence of the MME protein. This variant is not present in population databases (gnomAD no frequency). This variant has not been reported in the literature in individuals affected with MME-related conditions. Algorithms developed to predict the effect of sequence changes on RNA splicing suggest that this variant may disrupt the consensus splice site. In summary, the available evidence is currently insufficient to determine the role of this variant in disease. Therefore, it has been classified as a Variant of Uncertain Significance.

NM_007289.4(MME):c.2077-7T>G

Gene: MME (membrane metalloendopeptidase; plus strand). Cytogenetic location: 3q25.2.
Variant type: single nucleotide variant.
Coding change: c.2077-7T>G on transcript NM_007289.4 (MANE Select); 7 bases into the intron before coding-DNA position 2077, T replaced by G.
Molecular consequence: intron variant.
Genome position (GRCh38, 1-based): chr3:155,172,529, T>G. VCF-style: chr3-155172529-T-G. GRCh37 (hg19) VCF-style: chr3-154890318-T-G.
Other names: c.2077-7T>G (NM_001354642.2, NM_000902.5, NM_007287.4 and 2 more transcripts).
Identifiers: ClinVar variation 3661353 (VCV003661353.2).
Genomic context (GRCh38, chr3:155,172,529, plus strand): 5'-TTGCTCAAACAAATAATCCTTGATTGAACCTGAGTACATGCTTTGCTTTTCCTATTCCTA[T>G]CTCTAGGTGTGGTGTGGAACCTATAGGCCAGAGTATGCGGTTAACTCCATTAAAACAGAT-3'